The following is an entry in ClinVar:

ClinVar aggregate classification (germline): Uncertain significance (1 of 4 stars; one submission).

Conditions:
Epidermolysis bullosa simplex 3, localized or generalized intermediate, with BP230 deficiency (EBS3). Also called: Epidermolysis bullosa simplex due to BP230 deficiency; Epidermolysis bullosa simplex, autosomal recessive 2. Identifiers: Orphanet 412181, MedGen C3809470, MONDO:0014180, OMIM 615425.
Hereditary sensory and autonomic neuropathy type 6. Also called: Neuropathy, hereditary sensory and autonomic, type VI; HSAN VI. Identifiers: Orphanet 314381, MedGen C3539003, MONDO:0013839, OMIM 614653.

Allele frequency attached by ClinVar (database versions not stated): TOPMed 0.00002.

Submission:

Labcorp Genetics (formerly Invitae), Labcorp
Classification: Uncertain significance for Epidermolysis bullosa simplex 3, localized or generalized intermediate, with BP230 deficiency; Hereditary sensory and autonomic neuropathy type 6. Last evaluated: 2022-03-06. Review status: criteria provided, single submitter. Criteria: Invitae Variant Classification Sherloc (09022015). Collection method: clinical testing. Allele origin: germline.
Comment: The DST gene has multiple clinically relevant transcripts. This variant occurs in alternate transcript NM_015548.4, and corresponds to NM_001723.5:c.*145606T>C in the primary transcript. This sequence change replaces valine, which is neutral and non-polar, with alanine, which is neutral and non-polar, at codon 4885 of the DST protein (p.Val4885Ala). In summary, the available evidence is currently insufficient to determine the role of this variant in disease. Therefore, it has been classified as a Variant of Uncertain Significance. Experimental studies and prediction algorithms are not available or were not evaluated, and the functional significance of this variant is currently unknown. This variant has not been reported in the literature in individuals affected with DST-related conditions. This variant is not present in population databases (gnomAD no frequency).

NM_001374736.1(DST):c.22523T>C (p.Val7508Ala)

Gene: DST (dystonin; minus strand). Cytogenetic location: 6p12.1.
Variant type: single nucleotide variant.
Coding change: c.22523T>C on transcript NM_001374736.1 (MANE Select); coding-DNA position 22523, T replaced by C.
Protein change: p.Val7508Ala; replaces valine 7508 with alanine.
Molecular consequence: missense variant.
Genome position (GRCh38, 1-based): chr6:56,469,911, A>G on the plus strand (T>C on the coding strand, the complement: DST is on the minus strand). VCF-style: chr6-56469911-A-G. GRCh37 (hg19) VCF-style: chr6-56334709-A-G.
Other names: c.16166T>C, p.Val5389Ala (NM_001144769.5); c.15752T>C, p.Val5251Ala (NM_001144770.2); c.22523T>C, p.Val7508Ala (NM_001374722.1); c.21563T>C, p.Val7188Ala (NM_001374729.1); c.15305T>C, p.Val5102Ala (NM_001374730.1); c.22550T>C, p.Val7517Ala (NM_001374734.1); c.15632T>C, p.Val5211Ala (NM_001386100.1, NM_183380.4); c.14654T>C, p.Val4885Ala (NM_015548.5); short protein forms V4885A, V5211A, V7188A, V7508A, V7517A, V5102A, V5251A, V5389A.
Identifiers: ClinVar variation 2107250 (VCV002107250.4), dbSNP rs1177378801, ClinGen allele CA364506691.